The following is an entry in ClinVar:

ClinVar aggregate classification (germline): Pathogenic (1 of 4 stars; one submission).

Submission:

Labcorp Genetics (formerly Invitae), Labcorp
Classification: Pathogenic. Last evaluated: 2024-02-23. Review status: criteria provided, single submitter. Criteria: Invitae Variant Classification Sherloc (09022015). Collection method: clinical testing. Allele origin: germline.
Comment: This sequence change creates a premature translational stop signal (p.Ala704Serfs*6) in the POLE gene. It is expected to result in an absent or disrupted protein product. Loss-of-function variants in POLE are known to be pathogenic (PMID: 23230001, 25948378, 30503519). This variant is not present in population databases (gnomAD no frequency). This variant has not been reported in the literature in individuals affected with POLE-related conditions. For these reasons, this variant has been classified as Pathogenic.

Literature cited by the submitters: PubMed 23230001; PubMed 25948378; PubMed 30503519.

NM_006231.4(POLE):c.2109dup (p.Ala704fs)

Gene: POLE (DNA polymerase epsilon, catalytic subunit; minus strand). Cytogenetic location: 12q24.33.
Variant type: Duplication.
Coding change: c.2109dup on transcript NM_006231.4 (MANE Select); coding-DNA position 2109, one base duplicated (A; older notation c.2109dupA).
Protein change: p.Ala704fs; shifts the reading frame from alanine 704.
Molecular consequence: frameshift variant.
Genome position (GRCh38, 1-based): chr12:132,668,420, T duplicated on the plus strand (A on the coding strand, the reverse complement: POLE is on the minus strand). VCF-style (leftmost placement, unchanged base first): chr12-132668419-C-CT. GRCh37 (hg19) VCF-style: chr12-133245005-C-CT.
Other names: short protein forms A704fs.
Identifiers: ClinVar variation 3642687 (VCV003642687.2).